The following is an entry in ClinVar:

ClinVar aggregate classification (germline): Uncertain significance (1 of 4 stars; one submission).

Conditions:
Developmental and epileptic encephalopathy, 25 (DEE25). Also called: Epileptic encephalopathy, early infantile, 25; Developmental and epileptic encephalopathy 25, with amelogenesis imperfecta; Epileptic encephalopathy, early infantile, 25, with amelogenesis imperfecta. Identifiers: Orphanet 442835, MedGen C4014621, MONDO:0014392, OMIM 615905.

Submission:

Labcorp Genetics (formerly Invitae), Labcorp
Classification: Uncertain significance for Developmental and epileptic encephalopathy, 25. Last evaluated: 2021-11-17. Review status: criteria provided, single submitter. Criteria: Invitae Variant Classification Sherloc (09022015). Collection method: clinical testing. Allele origin: germline.
Comment: This variant is not present in population databases (gnomAD no frequency). In summary, the available evidence is currently insufficient to determine the role of this variant in disease. Therefore, it has been classified as a Variant of Uncertain Significance. Algorithms developed to predict the effect of missense changes on protein structure and function are either unavailable or do not agree on the potential impact of this missense change (SIFT: "Tolerated"; PolyPhen-2: "Possibly Damaging"; Align-GVGD: "Class C0"). This variant has not been reported in the literature in individuals affected with SLC13A5-related conditions. This sequence change replaces alanine, which is neutral and non-polar, with proline, which is neutral and non-polar, at codon 4 of the SLC13A5 protein (p.Ala4Pro).

NM_177550.5(SLC13A5):c.10G>C (p.Ala4Pro)

Gene: SLC13A5 (solute carrier family 13 member 5; minus strand). Cytogenetic location: 17p13.1.
Variant type: single nucleotide variant.
Coding change: c.10G>C on transcript NM_177550.5 (MANE Select); coding-DNA position 10, G replaced by C.
Protein change: p.Ala4Pro; replaces alanine 4 with proline.
Molecular consequence: missense variant.
Genome position (GRCh38, 1-based): chr17:6,713,324, C>G on the plus strand (G>C on the coding strand, the complement: SLC13A5 is on the minus strand). VCF-style: chr17-6713324-C-G. GRCh37 (hg19) VCF-style: chr17-6616643-C-G.
Other names: c.10G>C, p.Ala4Pro (NM_001143838.3, NM_001284509.2, NM_001284510.2); short protein forms A4P.
Identifiers: ClinVar variation 1437445 (VCV001437445.6), dbSNP rs2151505878, ClinGen allele CA397754114.
Genomic context (GRCh38, chr17:6,713,324, plus strand): 5'-GCAGGAGCGGGGTGACGAACAAGATCACGAAGGACTTGAACTTGGAGACATAGCTCAGCG[C>G]CGAGGCCATCGCGCGGGAGGGAGACTGGCGGGCGAGACGAGTGAGGGGCAGCTAGAGGCG-3'
Protein context (NP_808218.1, residues 1-14): MAS[Ala4Pro]LSYVSKFKSF